The following is an entry in ClinVar:

ClinVar aggregate classification (germline): Benign. Review status: criteria provided, multiple submitters, no conflicts (2 of 4 stars). 5 submissions from 5 submitters: Benign (5). Last evaluated 2024-11-27.

Conditions:
Amelogenesis imperfecta hypomaturation type 2A2. Also called: AMELOGENESIS IMPERFECTA, PIGMENTED HYPOMATURATION TYPE, 2; Amelogenesis imperfecta, type IIA2; Amelogenesis imperfecta, hypomaturation type, IIA2. Identifiers: Orphanet 88661, MedGen C2675858, MONDO:0012926, OMIM 612529. Disease mechanism: loss of function.

Allele frequency attached by ClinVar (database versions not stated): gnomAD 0.39994 and 0.40740; ESP Exome Variant Server 0.40649; TOPMed 0.41085; 1000 Genomes Project 30x 0.41552; 1000 Genomes Project 0.41993; ExAC 0.45194; gnomAD exomes 0.45304 and 0.45832.
gnomAD v4.1: 731,043 of 1,611,858 alleles (45%); highest among the groups gnomAD compares: South Asian, 58%; 168,714 homozygotes.

Submissions (5):

Blueprint Genetics
Classification: Benign. Last evaluated: 2024-11-27. Review status: criteria provided, single submitter. Criteria: ACMG Guidelines, 2015. Collection method: clinical testing. Allele origin: germline.

GeneDx
Classification: Benign. Last evaluated: 2018-11-12. Review status: criteria provided, single submitter. Criteria: GeneDx Variant Classification Process June 2021. Collection method: clinical testing. Allele origin: germline. Affected: yes.

Illumina Laboratory Services, Illumina
Classification: Benign for Amelogenesis imperfecta hypomaturation type 2A2. Last evaluated: 2018-01-13. Review status: criteria provided, single submitter. Criteria: ICSL Variant Classification Criteria 13 December 2019. Collection method: clinical testing. Allele origin: germline.
Comment: This variant was observed in the ICSL laboratory as part of a predisposition screen in an ostensibly healthy population. It had not been previously curated by ICSL or reported in the Human Gene Mutation Database (HGMD: prior to June 1st, 2018), and was therefore a candidate for classification through an automated scoring system. Utilizing variant allele frequency, disease prevalence and penetrance estimates, and inheritance mode, an automated score was calculated to assess if this variant is too frequent to cause the disease. Based on the score and internal cut-off values, a variant classified as benign is not then subjected to further curation. The score for this variant resulted in a classification of benign for this disease.

Breakthrough Genomics
Classification: Benign. Review status: criteria provided, single submitter. Criteria: ACMG Guidelines, 2015. Collection method: not provided. Allele origin: germline. Inheritance: Autosomal recessive inheritance. Affected: yes.

PreventionGenetics, part of Exact Sciences
Classification: Benign. Review status: criteria provided, single submitter. Criteria: ACMG Guidelines, 2015. Collection method: clinical testing. Allele origin: germline.

NM_004771.4(MMP20):c.824T>C (p.Val275Ala)

Gene: MMP20 (matrix metallopeptidase 20; minus strand). Cytogenetic location: 11q22.2.
Variant type: single nucleotide variant.
Coding change: c.824T>C on transcript NM_004771.4 (MANE Select); coding-DNA position 824, T replaced by C.
Protein change: p.Val275Ala; replaces valine 275 with alanine.
Molecular consequence: missense variant.
Genome position (GRCh38, 1-based): chr11:102,606,664, A>G on the plus strand (T>C on the coding strand, the complement: MMP20 is on the minus strand). VCF-style: chr11-102606664-A-G. GRCh37 (hg19) VCF-style: chr11-102477395-A-G.
Other names: short protein forms V275A.
Identifiers: ClinVar variation 259541 (VCV000259541.11), dbSNP rs1784423, ClinGen allele CA6248311.